The following is an entry in ClinVar:

ClinVar aggregate classification (germline): Uncertain significance. Review status: criteria provided, multiple submitters, no conflicts (2 of 4 stars). 4 submissions from 4 submitters: Uncertain significance (4). Last evaluated 2023-04-12.

Conditions:
Autosomal recessive limb-girdle muscular dystrophy type 2N. Also called: MUSCULAR DYSTROPHY-DYSTROGLYCANOPATHY, LIMB-GIRDLE, POMT2-RELATED; Muscular dystrophy-dystroglycanopathy (limb-girdle), type C, 2. Identifiers: Orphanet 206559, MedGen C3150418, MONDO:0013162, OMIM 613158.
Muscular dystrophy-dystroglycanopathy (congenital with brain and eye anomalies), type A2. Also called: MUSCULAR DYSTROPHY-DYSTROGLYCANOPATHY (CONGENITAL WITH BRAIN AND EYE ANOMALIES), TYPE A, 2; WALKER-WARBURG SYNDROME OR MUSCLE-EYE-BRAIN DISEASE, POMT2-RELATED. Identifiers: Orphanet 588, Orphanet 899, MedGen C3150411, MONDO:0013154, OMIM 613150.
Muscular dystrophy-dystroglycanopathy (congenital with impaired intellectual development), type B, 2. Also called: MUSCULAR DYSTROPHY, CONGENITAL, POMT2-RELATED; Muscular dystrophy-dystroglycanopathy (congenital with intellectual disability), type B2. Identifiers: MedGen C3150416, MONDO:0013160, OMIM 613156.

Allele frequency attached by ClinVar (database versions not stated): gnomAD 0.00002; TOPMed 0.00002; gnomAD exomes 0.00005; ExAC 0.00012.
gnomAD v4.1: 94 of 1,598,424 alleles (0.0059%); highest among the groups gnomAD compares: South Asian, 0.025%; 3 homozygotes.

Submissions (4):

Blueprint Genetics
Classification: Uncertain significance. Last evaluated: 2023-04-12. Review status: criteria provided, single submitter. Criteria: ACMG Guidelines, 2015. Collection method: clinical testing. Allele origin: germline.

Labcorp Genetics (formerly Invitae), Labcorp
Classification: Uncertain significance for Muscular dystrophy-dystroglycanopathy (congenital with impaired intellectual development), type B, 2; Muscular dystrophy-dystroglycanopathy (congenital with brain and eye anomalies), type A2; Autosomal recessive limb-girdle muscular dystrophy type 2N. Last evaluated: 2022-07-19. Review status: criteria provided, single submitter. Criteria: Invitae Variant Classification Sherloc (09022015). Collection method: clinical testing. Allele origin: germline.
Comment: This sequence change replaces serine, which is neutral and polar, with leucine, which is neutral and non-polar, at codon 171 of the POMT2 protein (p.Ser171Leu). The frequency data for this variant in the population databases is considered unreliable, as metrics indicate poor data quality at this position in the gnomAD database. This missense change has been observed in individual(s) with clinical features of POMT2-related conditions (PMID: 17559086). ClinVar contains an entry for this variant (Variation ID: 1332737). Algorithms developed to predict the effect of missense changes on protein structure and function (SIFT, PolyPhen-2, Align-GVGD) all suggest that this variant is likely to be tolerated. In summary, the available evidence is currently insufficient to determine the role of this variant in disease. Therefore, it has been classified as a Variant of Uncertain Significance.

Revvity Omics, Revvity
Classification: Uncertain significance. Last evaluated: 2021-12-17. Review status: criteria provided, single submitter. Criteria: ACMG Guidelines, 2015. Collection method: clinical testing. Allele origin: germline.

Kasturba Medical College, Manipal, Kasturba Medical College, Manipal, Manipal Academy of Higher Education, Manipal, India
Classification: Uncertain significance for Autosomal recessive limb-girdle muscular dystrophy type 2N. Review status: criteria provided, single submitter. Criteria: ACMG Guidelines, 2015. Collection method: clinical testing. Allele origin: inherited. Inheritance: Autosomal recessive inheritance. Affected: yes.

Literature cited by the submitters: PubMed 17559086 (cited by Labcorp Genetics (formerly Invitae), Labcorp).

NM_013382.7(POMT2):c.512C>T (p.Ser171Leu)

Gene: POMT2 (protein O-mannosyltransferase 2; minus strand). Cytogenetic location: 14q24.3.
Variant type: single nucleotide variant.
Coding change: c.512C>T on transcript NM_013382.7 (MANE Select); coding-DNA position 512, C replaced by T.
Protein change: p.Ser171Leu; replaces serine 171 with leucine.
Molecular consequence: missense variant.
Genome position (GRCh38, 1-based): chr14:77,304,727, G>A on the plus strand (C>T on the coding strand, the complement: POMT2 is on the minus strand). VCF-style: chr14-77304727-G-A. GRCh37 (hg19) VCF-style: chr14-77771070-G-A.
Other names: short protein forms S171L.
Identifiers: ClinVar variation 1332737 (VCV001332737.8), dbSNP rs750346960, ClinGen allele CA7286186.